The following is an entry in ClinVar:

NM_005065.6(SEL1L):c.623G>A (p.Arg208Gln)

Gene: SEL1L (SEL1L adaptor subunit of SYVN1 ubiquitin ligase; minus strand). Cytogenetic location: 14q31.1.
Variant type: single nucleotide variant.
Coding change: c.623G>A on transcript NM_005065.6 (MANE Select); coding-DNA position 623, G replaced by A.
Protein change: p.Arg208Gln; replaces arginine 208 with glutamine.
Molecular consequence: missense variant.
Genome position (GRCh38, 1-based): chr14:81,502,875, C>T on the plus strand (G>A on the coding strand, the complement: SEL1L is on the minus strand). VCF-style: chr14-81502875-C-T. GRCh37 (hg19) VCF-style: chr14-81969219-C-T.
Other names: c.623G>A, p.Arg208Gln (NM_001244984.2); short protein forms R208Q.
Identifiers: ClinVar variation 4980188 (VCV004980188.1).

ClinVar aggregate classification (germline): Likely benign (1 of 4 stars; one submission).

Conditions:
SEL1L-related condition.

gnomAD v4.1: 464 of 1,601,380 alleles (0.029%); highest among the groups gnomAD compares: South Asian, 0.36%; 5 homozygotes.

Submission:

PreventionGenetics, part of Exact Sciences
Classification: Likely benign for SEL1L-related condition. Last evaluated: 2026-02-16. Review status: criteria provided, single submitter. Criteria: ACMG Guidelines, 2015. Collection method: clinical testing. Allele origin: germline.
Comment: This variant is classified as likely benign based on ACMG/AMP sequence variant interpretation guidelines (Richards et al. 2015 PMID: 25741868, with internal and published modifications).